The following is an entry in ClinVar:

NM_003073.5(SMARCB1):c.586_587delinsAT (p.Asp196Ile)

Gene: SMARCB1 (SWI/SNF related BAF chromatin remodeling complex subunit B1; plus strand). Cytogenetic location: 22q11.23.
Variant type: Indel.
Coding change: c.586_587delinsAT on transcript NM_003073.5 (MANE Select); coding-DNA positions 586 to 587, GA replaced by AT.
Protein change: p.Asp196Ile; replaces aspartic acid 196 with isoleucine.
Molecular consequence: missense variant.
Genome position (GRCh38, 1-based): chr22:23,803,380-23,803,381, GA replaced by AT. VCF-style: chr22-23803380-GA-AT. GRCh37 (hg19) VCF-style: chr22-24145567-GA-AT.
Other names: c.559_560delinsAT, p.Asp187Ile (NM_001007468.3); c.613_614delinsAT, p.Asp205Ile (NM_001317946.2); c.640_641delinsAT, p.Asp214Ile (NM_001362877.2); short protein forms D187I, D214I, D196I, D205I.
Identifiers: ClinVar variation 2126576 (VCV002126576.4), dbSNP rs2517684361, ClinGen allele CA2580099271.

ClinVar aggregate classification (germline): Uncertain significance (1 of 4 stars; one submission).

Submission:

Labcorp Genetics (formerly Invitae), Labcorp
Classification: Uncertain significance. Last evaluated: 2022-04-15. Review status: criteria provided, single submitter. Criteria: Invitae Variant Classification Sherloc (09022015). Collection method: clinical testing. Allele origin: germline.
Comment: This sequence change replaces aspartic acid, which is acidic and polar, with isoleucine, which is neutral and non-polar, at codon 196 of the SMARCB1 protein (p.Asp196Ile). Information on the frequency of this variant in the gnomAD database is not available, as this variant may be reported differently in the database. This variant has not been reported in the literature in individuals affected with SMARCB1-related conditions. Algorithms developed to predict the effect of missense changes on protein structure and function are either unavailable or do not agree on the potential impact of this missense change (SIFT: "Not Available"; PolyPhen-2: "Possibly Damaging"; Align-GVGD: "Not Available"). In summary, the available evidence is currently insufficient to determine the role of this variant in disease. Therefore, it has been classified as a Variant of Uncertain Significance.